The following is an entry in ClinVar:

ClinVar aggregate classification (germline): Uncertain significance (1 of 4 stars; one submission).

Conditions:
Multiple acyl-CoA dehydrogenase deficiency (MADD). Also called: Glutaric aciduria, type 2; Glutaric acidemia type II; GA 2; Glutaric Acidemia type 2; ETHYLMALONIC-ADIPICACIDURIA; GA II. Identifiers: Orphanet 26791, MedGen C0268596, MONDO:0009282, OMIM 231680.

Submission:

Labcorp Genetics (formerly Invitae), Labcorp
Classification: Uncertain significance for Multiple acyl-CoA dehydrogenase deficiency. Last evaluated: 2022-06-27. Review status: criteria provided, single submitter. Criteria: Invitae Variant Classification Sherloc (09022015). Collection method: clinical testing. Allele origin: germline.
Comment: In summary, the available evidence is currently insufficient to determine the role of this variant in disease. Therefore, it has been classified as a Variant of Uncertain Significance. Advanced modeling of protein sequence and biophysical properties (such as structural, functional, and spatial information, amino acid conservation, physicochemical variation, residue mobility, and thermodynamic stability) performed at Invitae indicates that this missense variant is not expected to disrupt ETFDH protein function. This variant has not been reported in the literature in individuals affected with ETFDH-related conditions. This variant is not present in population databases (gnomAD no frequency). This sequence change replaces aspartic acid, which is acidic and polar, with asparagine, which is neutral and polar, at codon 52 of the ETFDH protein (p.Asp52Asn).

NM_004453.4(ETFDH):c.154G>A (p.Asp52Asn)

Gene: ETFDH (electron transfer flavoprotein dehydrogenase; plus strand). Cytogenetic location: 4q32.1.
Variant type: single nucleotide variant.
Coding change: c.154G>A on transcript NM_004453.4 (MANE Select); coding-DNA position 154, G replaced by A.
Protein change: p.Asp52Asn; replaces aspartic acid 52 with asparagine.
Molecular consequence: missense variant. On other transcripts: intron variant (1).
Genome position (GRCh38, 1-based): chr4:158,680,586, G>A. VCF-style: chr4-158680586-G-A. GRCh37 (hg19) VCF-style: chr4-159601738-G-A.
Other names: c.35-1609G>A (NM_001281737.2); short protein forms D52N.
Identifiers: ClinVar variation 1496139 (VCV001496139.6), dbSNP rs2150304401, ClinGen allele CA358573539.
Genomic context (GRCh38, chr4:158,680,586, plus strand): 5'-AGATGGTCTTCAACTTCTACTGTGCCTCGAATTACTACCCATTATACTATTTATCCCCGG[G>A]ATAAGGACAAGAGATGGGAAGGTAAGTAATAATTTGTGTACAATTCCTGAGACTTTTCTG-3'
Protein context (NP_004444.2, residues 42-62): ITTHYTIYPR[Asp52Asn]KDKRWEGVNM